The following is an entry in ClinVar:

NM_016065.4(MRPS16):c.326_327del (p.Arg109fs)

Genes: DNAJC9-AS1 (DNAJC9 and MRPS16 antisense RNA 1; plus strand), MRPS16 (mitochondrial ribosomal protein S16; minus strand). Cytogenetic location: 10q22.2.
Variant type: Microsatellite.
Coding change: c.326_327del on transcript NM_016065.4 (MANE Select); coding-DNA positions 326 to 327, 2 bases deleted (GA; older notation c.326_327delGA).
Protein change: p.Arg109fs; shifts the reading frame from arginine 109.
Molecular consequence: frameshift variant.
Genome position (GRCh38, 1-based): chr10:73,250,939-73,250,940, TC deleted on the plus strand (GA on the coding strand, the reverse complement: MRPS16 is on the minus strand); deleting any 2 consecutive bases within chr10:73,250,939-73,250,944 gives the same sequence; the c. name uses the placement nearest the transcript's 3' end. VCF-style (leftmost placement, unchanged base first): chr10-73250938-GTC-G. GRCh37 (hg19) VCF-style: chr10-75010696-GTC-G.
Other names: short protein forms R109fs.
Identifiers: ClinVar variation 2076629 (VCV002076629.4), dbSNP rs762604257, ClinGen allele CA5553340.

ClinVar aggregate classification (germline): Uncertain significance (1 of 4 stars; one submission).

Submission:

Labcorp Genetics (formerly Invitae), Labcorp
Classification: Uncertain significance. Last evaluated: 2026-01-08. Review status: criteria provided, single submitter. Criteria: Invitae Variant Classification Sherloc (09022015). Collection method: clinical testing. Allele origin: germline.
Comment: This sequence change creates a premature translational stop signal (p.Arg109Thrfs*8) in the MRPS16 gene. While this is not anticipated to result in nonsense mediated decay, it is expected to disrupt the last 29 amino acid(s) of the MRPS16 protein. This variant is present in population databases (rs762604257, gnomAD 0.07%), and has an allele count higher than expected for a pathogenic variant. This variant has not been reported in the literature in individuals affected with MRPS16-related conditions. Algorithms developed to predict the effect of sequence changes on RNA splicing suggest that this variant may disrupt the consensus splice site. In summary, the available evidence is currently insufficient to determine the role of this variant in disease. Therefore, it has been classified as a Variant of Uncertain Significance.